The following is an entry in ClinVar:

NM_016343.4(CENPF):c.942G>A (p.Lys314=)

Gene: CENPF (centromere protein F; plus strand). Cytogenetic location: 1q41.
Variant type: single nucleotide variant.
Coding change: c.942G>A on transcript NM_016343.4 (MANE Select); coding-DNA position 942, G replaced by A.
Protein change: p.Lys314=; no amino-acid change (lysine 314 retained).
Molecular consequence: synonymous variant.
Genome position (GRCh38, 1-based): chr1:214,622,155, G>A. VCF-style: chr1-214622155-G-A. GRCh37 (hg19) VCF-style: chr1-214795498-G-A.
Identifiers: ClinVar variation 5041304 (VCV005041304.1).
Genomic context (GRCh38, chr1:214,622,155, plus strand): 5'-TAATGAGTTGGAACTACGCCTGCAAGGACATGAAAAAGAAATGAAAGGCCAAGTGAATAA[G>A]TTTCAAGAACTCCAACTCCAACTGGAGAAAGCAAAAGTGGAATTAATTGAAAAAGAGAAA-3'
Protein context (NP_057427.3, residues 304-324): HEKEMKGQVN[Lys314=]FQELQLQLEK

ClinVar aggregate classification (germline): Likely benign (1 of 4 stars; one submission).

gnomAD v4.1: 2 of 1,613,900 alleles (0.00012%); highest among the groups gnomAD compares: Non-Finnish European, 0.00017%; no homozygotes.

Submission:

CeGaT Center for Human Genetics Tuebingen
Classification: Likely benign. Last evaluated: 2026-09-01. Review status: criteria provided, single submitter. Criteria: CeGaT Center For Human Genetics Tuebingen Variant Classification Criteria Version 2. Collection method: clinical testing. Allele origin: germline. Affected: yes. Observed: 1 variant allele.
Comment: CENPF: BP4, BP7